The following is an entry in ClinVar:

NM_014679.5(CEP57):c.266A>T (p.Gln89Leu)

Gene: CEP57 (centrosomal protein 57; plus strand). Cytogenetic location: 11q21.
Variant type: single nucleotide variant.
Coding change: c.266A>T on transcript NM_014679.5 (MANE Select); coding-DNA position 266, A replaced by T.
Protein change: p.Gln89Leu; replaces glutamine 89 with leucine.
Molecular consequence: missense variant. On other transcripts: intron variant (3).
Genome position (GRCh38, 1-based): chr11:95,812,995, A>T. VCF-style: chr11-95812995-A-T. GRCh37 (hg19) VCF-style: chr11-95546159-A-T.
Other names: c.185A>T, p.Gln62Leu (NM_001440870.1, NM_001440875.1, NM_001440877.1 and 3 more transcripts); c.266A>T, p.Gln89Leu (NM_001440871.1, NM_001440872.1, NM_001440874.1 and 4 more transcripts); c.239A>T, p.Gln80Leu (NM_001243776.2); c.203-473A>T (NM_001440873.1, NM_001440881.1); c.122-473A>T (NM_001440880.1); c.266A>T (NM_014679.4); short protein forms Q80L, Q62L, Q89L.
Identifiers: ClinVar variation 4739339 (VCV004739339.2).
Genomic context (GRCh38, chr11:95,812,995, plus strand): 5'-TATTTTCTGCTCTTAAGAATCTTCAAGATAAGATTCGACGCTTGGAACTTGAGAGGATTC[A>T]GGCAGAAGAAAGTGTGAAAACCTTGTCTAGAGAAACAATTGAATATAAGAAAGTACTGGA-3'
Protein context (NP_055494.2, residues 79-99): KIRRLELERI[Gln89Leu]AEESVKTLSR

ClinVar aggregate classification (germline): Uncertain significance. Review status: criteria provided, multiple submitters, no conflicts (2 of 4 stars). 2 submissions from 2 submitters: Uncertain significance (2). Last evaluated 2026-08-11.

Conditions:
Mosaic variegated aneuploidy syndrome 2 (MVA2). Identifiers: Orphanet 1052, MedGen C3279843, MONDO:0013582, OMIM 614114.
Inborn genetic diseases. Identifiers: MedGen C0950123, MeSH D030342.

gnomAD v4.1: 1 of 1,613,982 alleles (0.000062%); highest among the groups gnomAD compares: African/African-American, 0.0013%; no homozygotes.

Submissions (2):

Ambry Genetics
Classification: Uncertain significance for Inborn genetic diseases. Last evaluated: 2026-08-11. Review status: criteria provided, single submitter. Criteria: Ambry Variant Classification Scheme 2023. Collection method: clinical testing. Allele origin: germline.
Comment: The p.Q89L variant (also known as c.266A>T), located in coding exon 3 of the CEP57 gene, results from an A to T substitution at nucleotide position 266. The glutamine at codon 89 is replaced by leucine, an amino acid with dissimilar properties. This amino acid position is conserved. In addition, the in silico prediction for this alteration is inconclusive. Based on the available evidence, the clinical significance of this variant remains unclear.

Labcorp Genetics (formerly Invitae), Labcorp
Classification: Uncertain significance for Mosaic variegated aneuploidy syndrome 2. Last evaluated: 2025-05-02. Review status: criteria provided, single submitter. Criteria: Invitae Variant Classification Sherloc (09022015). Collection method: clinical testing. Allele origin: germline.
Comment: This sequence change replaces glutamine, which is neutral and polar, with leucine, which is neutral and non-polar, at codon 89 of the CEP57 protein (p.Gln89Leu). This variant is not present in population databases (gnomAD no frequency). This variant has not been reported in the literature in individuals affected with CEP57-related conditions. Invitae Evidence Modeling of protein sequence and biophysical properties (such as structural, functional, and spatial information, amino acid conservation, physicochemical variation, residue mobility, and thermodynamic stability) indicates that this missense variant is not expected to disrupt CEP57 protein function with a negative predictive value of 80%. In summary, the available evidence is currently insufficient to determine the role of this variant in disease. Therefore, it has been classified as a Variant of Uncertain Significance.